The following is an entry in ClinVar:

ClinVar aggregate classification (germline): Uncertain significance (1 of 4 stars; one submission).

Conditions:
Cardiovascular phenotype. Identifiers: MedGen CN230736.

Submission:

Ambry Genetics
Classification: Uncertain significance for Cardiovascular phenotype. Last evaluated: 2023-09-22. Review status: criteria provided, single submitter. Criteria: Ambry Variant Classification Scheme 2023. Collection method: clinical testing. Allele origin: germline.
Comment: The p.P264L variant (also known as c.791C>T), located in coding exon 1 of the ZNF469 gene, results from a C to T substitution at nucleotide position 791. The proline at codon 264 is replaced by leucine, an amino acid with similar properties. This amino acid position is conserved. In addition, this alteration is predicted to be tolerated by in silico analysis. Since supporting evidence is limited at this time, the clinical significance of this alteration remains unclear.

NM_001367624.2(ZNF469):c.791C>T (p.Pro264Leu)

Gene: ZNF469 (zinc finger protein 469; plus strand). Cytogenetic location: 16q24.2.
Variant type: single nucleotide variant.
Coding change: c.791C>T on transcript NM_001367624.2 (MANE Select); coding-DNA position 791, C replaced by T.
Protein change: p.Pro264Leu; replaces proline 264 with leucine.
Molecular consequence: missense variant.
Genome position (GRCh38, 1-based): chr16:88,428,261, C>T. VCF-style: chr16-88428261-C-T. GRCh37 (hg19) VCF-style: chr16-88494669-C-T.
Other names: NM_001127464.1:c.791C>T; short protein forms P264L.
Identifiers: ClinVar variation 3232856 (VCV003232856.1), dbSNP rs2507572553, ClinGen allele CA397061965.
Genomic context (GRCh38, chr16:88,428,261, plus strand): 5'-CAGGTGCTAATTTCGGGGTTCCCCCCGCCGAGCCGGAACCTATTCCCAAAGGCAGCAGGC[C>T]CGGCGGCAGCCCCAGGGGAGTTTCCTTCCAGTTCCCCTTCCCGGCACTGCATGGGGCCAG-3'
Protein context (NP_001354553.1, residues 254-274): EPEPIPKGSR[Pro264Leu]GGSPRGVSFQ